The following is an entry in ClinVar:

ClinVar aggregate classification (germline): Likely benign. Review status: criteria provided, multiple submitters, no conflicts (2 of 4 stars). 3 submissions from 3 submitters: Likely benign (2). 1 of the submissions does not count toward it. Last evaluated 2024-03-19.

Conditions:
SLC35D1-related disorder. Also called: SLC35D1-related condition.
Schneckenbecken dysplasia. Identifiers: Orphanet 3144, MedGen C0432194, MONDO:0010013, OMIM 269250.

Allele frequency attached by ClinVar (database versions not stated): gnomAD exomes 0.00002 and 0.00006; ExAC 0.00009; gnomAD 0.00027 and 0.00028; 1000 Genomes Project 30x 0.00031; TOPMed 0.00032; ESP Exome Variant Server 0.00038; 1000 Genomes Project 0.00040.
gnomAD v4.1: 72 of 1,612,078 alleles (0.0045%); highest among the groups gnomAD compares: African/African-American, 0.083%; no homozygotes.

Submissions (3):

Labcorp Genetics (formerly Invitae), Labcorp
Classification: Likely benign for Schneckenbecken dysplasia. Last evaluated: 2024-03-19. Review status: criteria provided, single submitter. Criteria: Invitae Variant Classification Sherloc (09022015). Collection method: clinical testing. Allele origin: germline.

ARUP Laboratories, Molecular Genetics and Genomics, ARUP Laboratories
Classification: Likely benign for Schneckenbecken dysplasia. Last evaluated: 2024-01-26. Review status: criteria provided, single submitter. Criteria: ARUP Molecular Germline Variant Investigation Process 2024. Collection method: clinical testing. Allele origin: germline.

PreventionGenetics, part of Exact Sciences
Classification: Likely benign for SLC35D1-related condition. Last evaluated: 2019-07-15. Review status: no assertion criteria provided. Collection method: clinical testing. Allele origin: germline. Not counted in ClinVar's aggregate classification.
Comment: This variant is classified as likely benign based on ACMG/AMP sequence variant interpretation guidelines (Richards et al. 2015 PMID: 25741868, with internal and published modifications).

NM_015139.3(SLC35D1):c.960-9G>C

Gene: SLC35D1 (solute carrier family 35 member D1; minus strand). Cytogenetic location: 1p31.3.
Variant type: single nucleotide variant.
Coding change: c.960-9G>C on transcript NM_015139.3 (MANE Select); 9 bases into the intron before coding-DNA position 960, G replaced by C.
Molecular consequence: intron variant.
Genome position (GRCh38, 1-based): chr1:67,004,457, C>G on the plus strand (G>C on the coding strand, the complement: SLC35D1 is on the minus strand). VCF-style: chr1-67004457-C-G. GRCh37 (hg19) VCF-style: chr1-67470140-C-G.
Other names: c.960-9G>C (NM_015139.2).
Identifiers: ClinVar variation 1371077 (VCV001371077.11), dbSNP rs185665670, ClinGen allele CA898806.
Genomic context (GRCh38, chr1:67,004,457, plus strand): 5'-CAGCTGCTCTTCAGTGAAAGTGATATAGGAATATACCAGGCTCCCAGCAATGCTGCAAAA[C>G]AGAAAGCCACTATCAGAGATGGAGGAAGGGAGGGTTTTAGTGTAAACACTCTACTCAGTA-3'